The following is an entry in ClinVar:

ClinVar aggregate classification (germline): Likely pathogenic (1 of 4 stars; one submission).

Conditions:
Autosomal recessive congenital ichthyosis 1 (LI1). Also called: LAMELLAR EXFOLIATION OF NEWBORN; COLLODION FETUS; DESQUAMATION OF NEWBORN; ICHTHYOSIS CONGENITA; ICHTHYOSIS CONGENITA II; ICHTHYOSIS, CONGENITAL, AUTOSOMAL RECESSIVE 1, WITH BATHING SUIT DISTRIBUTION. Identifiers: MedGen C4551630, MONDO:0009441, OMIM 242300.

Submission:

Myriad Genetics, Inc.
Classification: Likely pathogenic for Autosomal recessive congenital ichthyosis 1. Last evaluated: 2022-04-23. Review status: criteria provided, single submitter. Criteria: Myriad Women's Health Autosomal Recessive and X-Linked Classification Criteria (2021). Collection method: clinical testing. Allele origin: unknown.
Comment: NM_000359.2(TGM1):c.496G>T(E166*) is expected to be pathogenic in the context of TGM1-related autosomal recessive congenital ichthyosis. This variant is predicted to lead to an abnormal or absent protein product due to the creation of a premature termination codon in TGM1, a gene where loss-of-function variants are known to be pathogenic. Please note: this variant was assessed in the context of healthy population screening.

NM_000359.3(TGM1):c.496G>T (p.Glu166Ter)

Gene: TGM1 (transglutaminase 1; minus strand). Cytogenetic location: 14q12.
Variant type: single nucleotide variant.
Coding change: c.496G>T on transcript NM_000359.3 (MANE Select); coding-DNA position 496, G replaced by T.
Protein change: p.Glu166Ter; replaces glutamic acid 166 with a stop codon.
Molecular consequence: nonsense.
Genome position (GRCh38, 1-based): chr14:24,261,707, C>A on the plus strand (G>T on the coding strand, the complement: TGM1 is on the minus strand). VCF-style: chr14-24261707-C-A. GRCh37 (hg19) VCF-style: chr14-24730913-C-A.
Other names: short protein forms E166*.
Identifiers: ClinVar variation 1725963 (VCV001725963.2), dbSNP rs2502507740, ClinGen allele CA389276946.